The following is an entry in ClinVar:

NM_024408.4(NOTCH2):c.3917A>C (p.Asp1306Ala)

Gene: NOTCH2 (notch receptor 2; minus strand). Cytogenetic location: 1p12.
Variant type: single nucleotide variant.
Coding change: c.3917A>C on transcript NM_024408.4 (MANE Select); coding-DNA position 3917, A replaced by C.
Protein change: p.Asp1306Ala; replaces aspartic acid 1306 with alanine.
Molecular consequence: missense variant.
Genome position (GRCh38, 1-based): chr1:119,926,587, T>G on the plus strand (A>C on the coding strand, the complement: NOTCH2 is on the minus strand). VCF-style: chr1-119926587-T-G. GRCh37 (hg19) VCF-style: chr1-120469210-T-G.
Other names: short protein forms D1306A.
Identifiers: ClinVar variation 1996175 (VCV001996175.4), dbSNP rs2526152892, ClinGen allele CA341892180.

ClinVar aggregate classification (germline): Uncertain significance (1 of 4 stars; one submission).

Conditions:
Hajdu-Cheney syndrome (HJCYS). Also called: Acroosteolysis dominant type; ACROOSTEOLYSIS WITH OSTEOPOROSIS AND CHANGES IN SKULL AND MANDIBLE; SERPENTINE FIBULA-POLYCYSTIC KIDNEY SYNDROME. Identifiers: Orphanet 955, MedGen C0917715, MONDO:0007057, OMIM 102500.

Submission:

Labcorp Genetics (formerly Invitae), Labcorp
Classification: Uncertain significance for Hajdu-Cheney syndrome. Last evaluated: 2022-05-18. Review status: criteria provided, single submitter. Criteria: Invitae Variant Classification Sherloc (09022015). Collection method: clinical testing. Allele origin: germline.
Comment: This sequence change replaces aspartic acid, which is acidic and polar, with alanine, which is neutral and non-polar, at codon 1306 of the NOTCH2 protein (p.Asp1306Ala). This variant is not present in population databases (gnomAD no frequency). This variant has not been reported in the literature in individuals affected with NOTCH2-related conditions. Algorithms developed to predict the effect of missense changes on protein structure and function (SIFT, PolyPhen-2, Align-GVGD) all suggest that this variant is likely to be disruptive. In summary, the available evidence is currently insufficient to determine the role of this variant in disease. Therefore, it has been classified as a Variant of Uncertain Significance.